The following is an entry in ClinVar:

ClinVar aggregate classification (germline): Uncertain significance (1 of 4 stars; one submission).

Conditions:
Cardiovascular phenotype. Identifiers: MedGen CN230736.

gnomAD v4.1: 1 of 1,562,966 alleles (0.000064%); highest among the groups gnomAD compares: Non-Finnish European, 0.000087%; no homozygotes.

Submission:

Ambry Genetics
Classification: Uncertain significance for Cardiovascular phenotype. Last evaluated: 2021-03-02. Review status: criteria provided, single submitter. Criteria: Ambry Variant Classification Scheme 2023. Collection method: clinical testing. Allele origin: germline.
Comment: The p.T149R variant (also known as c.446C>G), located in coding exon 1 of the DES gene, results from a C to G substitution at nucleotide position 446. The threonine at codon 149 is replaced by arginine, an amino acid with similar properties. This amino acid position is well conserved in available vertebrate species. In addition, the in silico prediction for this alteration is inconclusive. Since supporting evidence is limited at this time, the clinical significance of this alteration remains unclear.

NM_001927.4(DES):c.446C>G (p.Thr149Arg)

Gene: DES (desmin; plus strand). Cytogenetic location: 2q35.
Variant type: single nucleotide variant.
Coding change: c.446C>G on transcript NM_001927.4 (MANE Select); coding-DNA position 446, C replaced by G.
Protein change: p.Thr149Arg; replaces threonine 149 with arginine.
Molecular consequence: missense variant.
Genome position (GRCh38, 1-based): chr2:219,418,908, C>G. VCF-style: chr2-219418908-C-G. GRCh37 (hg19) VCF-style: chr2-220283630-C-G.
Other names: c.446C>G, p.Thr149Arg (NM_001382708.1, NM_001382709.1, NM_001382710.1 and 3 more transcripts); short protein forms T149R.
Identifiers: ClinVar variation 1740814 (VCV001740814.2), dbSNP rs1483655001, ClinGen allele CA350686276.
Genomic context (GRCh38, chr2:219,418,908, plus strand): 5'-TGGAGCAGCAGAACGCGGCGCTCGCCGCCGAAGTGAACCGGCTCAAGGGCCGCGAGCCGA[C>G]GCGAGTGGCCGAGCTCTACGAGGAGGAGCTGCGGGAGCTGCGGCGCCAGGTGGAGGTGCT-3'
Protein context (NP_001918.3, residues 139-159): EVNRLKGREP[Thr149Arg]RVAELYEEEL